The following is an entry in ClinVar:

NM_000090.4(COL3A1):c.3201+9C>G

Gene: COL3A1 (collagen type III alpha 1 chain; plus strand). Cytogenetic location: 2q32.2.
Variant type: single nucleotide variant.
Coding change: c.3201+9C>G on transcript NM_000090.4 (MANE Select); 9 bases into the intron after coding-DNA position 3201, C replaced by G.
Molecular consequence: intron variant.
Genome position (GRCh38, 1-based): chr2:189,006,461, C>G. VCF-style: chr2-189006461-C-G. GRCh37 (hg19) VCF-style: chr2-189871187-C-G.
Identifiers: ClinVar variation 388488 (VCV000388488.1), dbSNP rs1057523125, ClinGen allele CA16604064.

ClinVar aggregate classification (germline): Likely benign (1 of 4 stars; one submission).

Submission:

GeneDx
Classification: Likely benign. Last evaluated: 2016-08-08. Review status: criteria provided, single submitter. Criteria: GeneDx Variant Classification (06012015). Collection method: clinical testing. Allele origin: germline. Affected: yes.
Comment: This variant is considered likely benign or benign based on one or more of the following criteria: it is a conservative change, it occurs at a poorly conserved position in the protein, it is predicted to be benign by multiple in silico algorithms, and/or has population frequency not consistent with disease.